The following is an entry in ClinVar:

NM_181872.6(DMRT2):c.629-465G>T

Gene: DMRT2 (doublesex and mab-3 related transcription factor 2; plus strand). Cytogenetic location: 9p24.3.
Variant type: single nucleotide variant.
Coding change: c.629-465G>T on transcript NM_181872.6 (MANE Select); 465 bases into the intron before coding-DNA position 629, G replaced by T.
Molecular consequence: intron variant. On other transcripts: missense variant (5), non-coding transcript variant (1).
Genome position (GRCh38, 1-based): chr9:1,055,751, G>T. VCF-style: chr9-1055751-G-T. GRCh37 (hg19) VCF-style: chr9-1055751-G-T.
Other names: c.658G>T, p.Val220Leu (NM_001130865.3, NM_001370531.1, NM_001370533.1 and 2 more transcripts); c.629-465G>T (NM_001387558.1, NM_001387559.1); c.107-465G>T (NM_001370532.1); c.-71-465G>T (NM_001387560.1); short protein forms V220L.
Identifiers: ClinVar variation 4767548 (VCV004767548.1).

ClinVar aggregate classification (germline): Uncertain significance (1 of 4 stars; one submission).

Submission:

Labcorp Genetics (formerly Invitae), Labcorp
Classification: Uncertain significance. Last evaluated: 2025-10-03. Review status: criteria provided, single submitter. Criteria: Invitae Variant Classification Sherloc (09022015). Collection method: clinical testing. Allele origin: germline.
Comment: This sequence change replaces valine, which is neutral and non-polar, with leucine, which is neutral and non-polar, at codon 220 of the DMRT2 protein (p.Val220Leu). This variant is not present in population databases (gnomAD no frequency). This variant has not been reported in the literature in individuals affected with DMRT2-related conditions. An algorithm developed to predict the effect of missense changes on protein structure and function (PolyPhen-2) suggests that this variant is likely to be tolerated. In summary, the available evidence is currently insufficient to determine the role of this variant in disease. Therefore, it has been classified as a Variant of Uncertain Significance.